The following is an entry in ClinVar:

NM_000075.4(CDK4):c.705G>A (p.Glu235=)

Genes: CDK4 (cyclin dependent kinase 4; minus strand), TSPAN31 (tetraspanin 31; plus strand). Cytogenetic location: 12q14.1.
Variant type: single nucleotide variant.
Coding change: c.705G>A on transcript NM_000075.4 (MANE Select); coding-DNA position 705, G replaced by A.
Protein change: p.Glu235=; no amino-acid change (glutamic acid 235 retained).
Molecular consequence: synonymous variant. On other transcripts: 3 prime UTR variant (3).
Genome position (GRCh38, 1-based): chr12:57,749,296, C>T on the plus strand (G>A on the coding strand, the complement: CDK4 is on the minus strand). VCF-style: chr12-57749296-C-T. GRCh37 (hg19) VCF-style: chr12-58143079-C-T.
Other names: c.*2006C>T (NM_001330168.2, NM_001330169.2, NM_005981.5).
Identifiers: ClinVar variation 483296 (VCV000483296.19), dbSNP rs374223296, ClinGen allele CA6657701.

ClinVar aggregate classification (germline): Benign/Likely benign. Review status: criteria provided, multiple submitters, no conflicts (2 of 4 stars). 4 submissions from 4 submitters: Benign (1); Likely benign (3). Last evaluated 2025-12-29.

Conditions:
Familial melanoma. Also called: Hereditary melanoma; Hereditary cutaneous melanoma. Identifiers: Orphanet 618, MedGen C1512419, MONDO:0018961.
Melanoma, cutaneous malignant, susceptibility to, 3. Also called: Cutaneous malignant melanoma 3. Identifiers: Orphanet 618, MedGen C1836892, MONDO:0012183, OMIM 609048.
Hereditary cancer-predisposing syndrome. Also called: Neoplastic Syndromes, Hereditary; Tumor predisposition; Hereditary Cancer Syndrome; Hereditary neoplastic syndrome. Identifiers: Orphanet 140162, MedGen C0027672, MeSH D009386, MONDO:0015356.

Allele frequency attached by ClinVar (database versions not stated): gnomAD exomes below 0.00001; gnomAD 0.00001; ExAC 0.00002; TOPMed 0.00002; ESP Exome Variant Server 0.00008.
gnomAD v4.1: 7 of 1,614,080 alleles (0.00043%); highest among the groups gnomAD compares: Middle Eastern, 0.049%; no homozygotes.

Submissions (4):

Labcorp Genetics (formerly Invitae), Labcorp
Classification: Likely benign for Familial melanoma. Last evaluated: 2025-12-29. Review status: criteria provided, single submitter. Criteria: Invitae Variant Classification Sherloc (09022015). Collection method: clinical testing. Allele origin: germline.

Myriad Genetics, Inc.
Classification: Benign for Melanoma, cutaneous malignant, susceptibility to, 3. Last evaluated: 2024-09-26. Review status: criteria provided, single submitter. Criteria: Myriad Autosomal Dominant, Autosomal Recessive and X-Linked Classification Criteria (2023). Collection method: clinical testing. Allele origin: unknown.
Comment: This variant is considered benign. This variant is a silent/synonymous amino acid change and it is not expected to impact splicing.

GeneDx
Classification: Likely benign. Last evaluated: 2018-07-10. Review status: criteria provided, single submitter. Criteria: GeneDx Variant Classification Process June 2021. Collection method: clinical testing. Allele origin: germline. Affected: yes.

Ambry Genetics
Classification: Likely benign for Hereditary cancer-predisposing syndrome. Last evaluated: 2016-03-25. Review status: criteria provided, single submitter. Criteria: Ambry Variant Classification Scheme 2023. Collection method: clinical testing. Allele origin: germline.